The following is an entry in ClinVar:

NM_018124.4(RFWD3):c.2110A>G (p.Ile704Val)

Gene: RFWD3 (ring finger and WD repeat domain 3; minus strand). Cytogenetic location: 16q23.1.
Variant type: single nucleotide variant.
Coding change: c.2110A>G on transcript NM_018124.4 (MANE Select); coding-DNA position 2110, A replaced by G.
Protein change: p.Ile704Val; replaces isoleucine 704 with valine.
Molecular consequence: missense variant.
Genome position (GRCh38, 1-based): chr16:74,626,414, T>C on the plus strand (A>G on the coding strand, the complement: RFWD3 is on the minus strand). VCF-style: chr16-74626414-T-C. GRCh37 (hg19) VCF-style: chr16-74660312-T-C.
Other names: c.2110A>G, p.Ile704Val (NM_001370535.1, NM_001370534.1); c.1933A>G, p.Ile645Val (NM_001370536.1); c.1276A>G, p.Ile426Val (NM_001370537.1, NM_001370539.1, NM_001370540.1 and 3 more transcripts); short protein forms I645V, I704V, I426V.
Identifiers: ClinVar variation 2870283 (VCV002870283.3), dbSNP rs767977113, ClinGen allele CA8168988.

ClinVar aggregate classification (germline): Uncertain significance (1 of 4 stars; one submission).

Allele frequency attached by ClinVar (database versions not stated): gnomAD exomes below 0.00001; ExAC 0.00001; gnomAD 0.00001.
gnomAD v4.1: 3 of 1,614,060 alleles (0.00019%); highest among the groups gnomAD compares: African/African-American, 0.0013%; no homozygotes.

Submission:

Labcorp Genetics (formerly Invitae), Labcorp
Classification: Uncertain significance. Last evaluated: 2024-01-22. Review status: criteria provided, single submitter. Criteria: Invitae Variant Classification Sherloc (09022015). Collection method: clinical testing. Allele origin: germline.
Comment: This sequence change replaces isoleucine, which is neutral and non-polar, with valine, which is neutral and non-polar, at codon 704 of the RFWD3 protein (p.Ile704Val). This variant is present in population databases (rs767977113, gnomAD 0.0009%). This variant has not been reported in the literature in individuals affected with RFWD3-related conditions. Algorithms developed to predict the effect of missense changes on protein structure and function output the following: SIFT: "Not Available"; PolyPhen-2: "Benign"; Align-GVGD: "Not Available". The valine amino acid residue is found in multiple mammalian species, which suggests that this missense change does not adversely affect protein function. In summary, the available evidence is currently insufficient to determine the role of this variant in disease. Therefore, it has been classified as a Variant of Uncertain Significance.